The following is an entry in ClinVar:

NM_001478.5(B4GALNT1):c.682C>T (p.Arg228Ter)

Gene: B4GALNT1 (beta-1,4-N-acetyl-galactosaminyltransferase 1; minus strand). Cytogenetic location: 12q13.3.
Variant type: single nucleotide variant.
Coding change: c.682C>T on transcript NM_001478.5 (MANE Select); coding-DNA position 682, C replaced by T.
Protein change: p.Arg228Ter; replaces arginine 228 with a stop codon.
Molecular consequence: nonsense.
Genome position (GRCh38, 1-based): chr12:57,630,182, G>A on the plus strand (C>T on the coding strand, the complement: B4GALNT1 is on the minus strand). VCF-style: chr12-57630182-G-A. GRCh37 (hg19) VCF-style: chr12-58023965-G-A.
Other names: B4GALNT1, ARG228TER; c.517C>T, p.Arg173Ter (NM_001276468.2); c.682C>T, p.Arg228Ter (NM_001276469.2); short protein forms R228*, R173*.
Identifiers: ClinVar variation 60524 (VCV000060524.11), dbSNP rs398122382, ClinGen allele CA144547.

ClinVar aggregate classification (germline): Pathogenic. Review status: criteria provided, multiple submitters, no conflicts (2 of 4 stars). 7 submissions from 7 submitters: Pathogenic (6). 1 of the submissions does not count toward it. Last evaluated 2026-02-13.

Conditions:
B4GALNT1-related disorders.
Hereditary spastic paraplegia 26 (SPG26). Also called: SPASTIC PARAPLEGIA 26, AUTOSOMAL RECESSIVE. Identifiers: Orphanet 101006, MedGen C1836632, MONDO:0012213, OMIM 609195.
Spastic paraplegia. Identifiers: MedGen C0037772, HP:0001258.

Allele frequency attached by ClinVar (database versions not stated): gnomAD exomes below 0.00001; ExAC 0.00001; gnomAD 0.00001.

Submissions (7):

OLLIN Analises Genomicas, OLLIN
Classification: Pathogenic for Hereditary spastic paraplegia 26. Last evaluated: 2026-02-13. Review status: criteria provided, single submitter. Criteria: ACMG Guidelines 2015 PMID 25741868. Collection method: clinical testing. Allele origin: germline. Observed: 1 variant allele.
Comment: PVS1, PS3, PM2_P, PM3, PP1

Labcorp Genetics (formerly Invitae), Labcorp
Classification: Pathogenic for Spastic paraplegia. Last evaluated: 2026-01-27. Review status: criteria provided, single submitter. Criteria: Invitae Variant Classification Sherloc (09022015). Collection method: clinical testing. Allele origin: germline.
Comment: This sequence change creates a premature translational stop signal (p.Arg228*) in the B4GALNT1 gene. It is expected to result in an absent or disrupted protein product. Loss-of-function variants in B4GALNT1 are known to be pathogenic (PMID: 23746551). This variant is present in population databases (rs398122382, gnomAD 0.003%). This premature translational stop signal has been observed in individual(s) with hereditary spastic paraplegia (PMID: 23746551). ClinVar contains an entry for this variant (Variation ID: 60524). For these reasons, this variant has been classified as Pathogenic.

Blueprint Genetics
Classification: Pathogenic for B4GALNT1-related disorders. Last evaluated: 2021-11-04. Review status: criteria provided, single submitter. Criteria: ACMG Guidelines, 2015. Collection method: clinical testing. Allele origin: germline. Affected: yes. Observed: 1 variant allele.

Laboratorio de Genetica e Diagnostico Molecular, Hospital Israelita Albert Einstein
Classification: Pathogenic for Hereditary spastic paraplegia 26. Last evaluated: 2021-10-18. Review status: criteria provided, single submitter. Criteria: ACMG Guidelines, 2015. Collection method: clinical testing. Allele origin: germline. Affected: yes.
Comment: ACMG classification criteria: PVS1 very strong, PS3 supporting, PS4 supporting, PM2 moderate, PM3 moderate, PP1 strong

Broad Center for Mendelian Genomics, Broad Institute of MIT and Harvard
Classification: Pathogenic for Hereditary spastic paraplegia 26. Last evaluated: 2018-11-15. Review status: criteria provided, single submitter. Criteria: ACMG Guidelines, 2015. Collection method: research. Allele origin: germline. Inheritance: Autosomal recessive inheritance. Affected: yes.
Comment: This variant has been reported as homozygous in the literature in two affected family members (Boukhris et al. 2013; PMID: 23746551). This variant has been identified in <0.01% (1/33582) of Latino chromosomes by the Genome Aggregation Database (gnomAD; dbSNP rs398122382). Although this variant has been seen in the general population, its frequency is low enough to be consistent with a recessive carrier frequency. Loss of function of the B4GALNT1 gene is an established disease mechanism in autosomal recessive Spastic Paraplegia, and this is a loss of function variant. In summary, this variant is pathogenic.

Paris Brain Institute, Inserm - ICM
Classification: Pathogenic for Hereditary spastic paraplegia 26. Review status: criteria provided, single submitter. Criteria: ACMG Guidelines, 2015. Collection method: clinical testing. Allele origin: unknown. Affected: yes. Observed: 1 variant allele.

OMIM
Classification: Pathogenic for SPASTIC PARAPLEGIA 26, AUTOSOMAL RECESSIVE. Last evaluated: 2013-07-11. Review status: no assertion criteria provided. Collection method: literature only. Allele origin: germline. Not counted in ClinVar's aggregate classification.

Literature cited by the submitters: PubMed 23746551 (cited by 3 submitters).